The following is an entry in ClinVar:

NM_004523.4(KIF11):c.308+1G>A

Gene: KIF11 (kinesin family member 11; plus strand). Cytogenetic location: 10q23.33.
Variant type: single nucleotide variant.
Coding change: c.308+1G>A on transcript NM_004523.4 (MANE Select); the canonical splice donor site of the intron after coding-DNA position 308, G replaced by A.
Molecular consequence: splice donor variant.
Genome position (GRCh38, 1-based): chr10:92,606,717, G>A. VCF-style: chr10-92606717-G-A. GRCh37 (hg19) VCF-style: chr10-94366474-G-A.
Identifiers: ClinVar variation 977864 (VCV000977864.10), dbSNP rs527562872, ClinGen allele CA5603965.

ClinVar aggregate classification (germline): Pathogenic. Review status: criteria provided, multiple submitters, no conflicts (2 of 4 stars). 5 submissions from 5 submitters: Pathogenic (4). 1 of the submissions does not count toward it. Last evaluated 2025-09-23.

Conditions:
Microcephaly with or without chorioretinopathy, lymphedema, or impaired intellectual development. Also called: MICROCEPHALY AND CHORIORETINOPATHY WITH OR WITHOUT MENTAL RETARDATION, AUTOSOMAL DOMINANT; MICROCEPHALY, LYMPHEDEMA, CHORIORETINAL DYSPLASIA SYNDROME; Microcephaly lymphedema chorioretinal dysplasia; Microcephaly with or without chorioretinopathy, lymphedema, or mental retardation; Microcephaly with or without chorioretinopathy, lymphedema, or intellectual disability. Identifiers: Orphanet 2526, MedGen C1835265, MONDO:0007918, OMIM 152950.
Inborn genetic diseases. Identifiers: MedGen C0950123, MeSH D030342.

Allele frequency attached by ClinVar (database versions not stated): 1000 Genomes Project 0.00020; ExAC 0.00001.

Submissions (5):

Laboratorio de Genetica e Diagnostico Molecular, Hospital Israelita Albert Einstein
Classification: Pathogenic for Microcephaly with or without chorioretinopathy, lymphedema, or impaired intellectual development. Last evaluated: 2025-09-23. Review status: criteria provided, single submitter. Criteria: ACMG Guidelines, 2015. Collection method: clinical testing. Allele origin: germline. Affected: yes.
Comment: ACMG classification criteria: PVS1 very strong, PS4 moderate, PM2 supporting, PP1 supporting

Labcorp Genetics (formerly Invitae), Labcorp
Classification: Pathogenic. Last evaluated: 2025-06-10. Review status: criteria provided, single submitter. Criteria: Invitae Variant Classification Sherloc (09022015). Collection method: clinical testing. Allele origin: germline.
Comment: This sequence change affects a donor splice site in intron 3 of the KIF11 gene. RNA analysis indicates that disruption of this splice site induces altered splicing and may result in an absent or altered protein product. This variant is not present in population databases (gnomAD no frequency). Disruption of this splice site has been observed in individuals with microcephaly with or without chorioretinopathy, lymphedema, or mental retardation (PMID: 25934493, 30452590, 30792901). It has also been observed to segregate with disease in related individuals. ClinVar contains an entry for this variant (Variation ID: 977864). Studies have shown that disruption of this splice site results in exon 3 skipping, and produces a non-functional protein and/or introduces a premature termination codon (PMID: 25934493). For these reasons, this variant has been classified as Pathogenic.

Ambry Genetics
Classification: Pathogenic for Inborn genetic diseases. Last evaluated: 2025-05-15. Review status: criteria provided, single submitter. Criteria: Ambry Variant Classification Scheme 2023. Collection method: clinical testing. Allele origin: germline.
Comment: The c.308+1G>A intronic variant results from a G to A substitution one nucleotide after coding exon 3 of the KIF11 gene. Alterations that disrupt the canonical splice site are expected to cause aberrant splicing, resulting in an abnormal protein or a transcript that is subject to nonsense-mediated mRNA decay. This variant was flagged as a low confidence call in the Genome Aggregation Database (gnomAD). This variant was reported in individual(s) with features consistent with KIF11-related syndrome; in at least one individual, it was determined to be de novo (Li, 2018; Scocchia, 2019; Tao, 2021; Hong, 2025). Other variant(s) impacting the same donor site (c.308+1G>T) have been identified in individual(s) with features consistent with KIF11-related syndrome (Schl&ouml;gel, 2015). This nucleotide position is highly conserved in available vertebrate species. In silico splice site analysis predicts that this alteration will weaken the native splice donor site. Based on the available evidence, this alteration is classified as pathogenic.

GeneDx
Classification: Pathogenic. Last evaluated: 2025-01-10. Review status: criteria provided, single submitter. Criteria: GeneDx Variant Classification Process June 2021. Collection method: clinical testing. Allele origin: germline. Affected: yes.
Comment: Canonical splice site variant in a gene for which loss-of-function is a known mechanism of disease; Not observed in large population cohorts (gnomAD); This variant is associated with the following publications: (PMID: 34860240, 30452590, 30792901)

Service de Génétique Moléculaire, Hôpital Robert Debré
Classification: Pathogenic for Microcephaly with or without chorioretinopathy, lymphedema, or impaired intellectual development. Review status: no assertion criteria provided. Collection method: clinical testing. Allele origin: unknown. Affected: yes. Not counted in ClinVar's aggregate classification.

Literature cited by the submitters: PubMed 25934493 (cited by Labcorp Genetics (formerly Invitae), Labcorp and Ambry Genetics); PubMed 30452590 (cited by Labcorp Genetics (formerly Invitae), Labcorp and Ambry Genetics); PubMed 30792901 (cited by Labcorp Genetics (formerly Invitae), Labcorp and Ambry Genetics); PubMed 34860240 (cited by Ambry Genetics).